The following is an entry in ClinVar:

NM_000501.4(ELN):c.366A>G (p.Gly122=)

Gene: ELN (elastin; plus strand). Cytogenetic location: 7q11.23.
Variant type: single nucleotide variant.
Coding change: c.366A>G on transcript NM_000501.4 (MANE Select); coding-DNA position 366, A replaced by G.
Protein change: p.Gly122=; no amino-acid change (glycine 122 retained).
Molecular consequence: synonymous variant.
Genome position (GRCh38, 1-based): chr7:74,043,024, A>G. VCF-style: chr7-74043024-A-G. GRCh37 (hg19) VCF-style: chr7-73457354-A-G.
Other names: c.336A>G, p.Gly112= (NM_001081752.3, NM_001278914.2, NM_001278917.2 and 1 more transcripts); c.366A>G, p.Gly122= (NM_001081753.3, NM_001081754.3, NM_001081755.3 and 4 more transcripts); c.330A>G, p.Gly110= (NM_001278913.2).
Identifiers: ClinVar variation 360637 (VCV000360637.21), dbSNP rs61734587, ClinGen allele CA4292454.

ClinVar aggregate classification (germline): Benign/Likely benign. Review status: criteria provided, multiple submitters, no conflicts (2 of 4 stars). 7 submissions from 6 submitters: Benign (2); Likely benign (4). 1 of the submissions does not count toward it. Last evaluated 2026-01-22.

Conditions:
ELN-related disorder.
Cutis laxa, autosomal dominant 1 (ADCL1). Also called: ELN-Related Cutis Laxa. Identifiers: Orphanet 90348, MedGen C3276539, MONDO:0007411, OMIM 123700. Disease mechanism: Dominant Negative.
Supravalvar aortic stenosis (SVAS). Also called: Supravalvar aortic stenosis, Eisenberg type. Identifiers: Orphanet 3193, MedGen C0003499, MONDO:0008504, OMIM 185500, HP:0004381.

Allele frequency attached by ClinVar (database versions not stated): 1000 Genomes Project 30x 0.00016; 1000 Genomes Project 0.00020; ESP Exome Variant Server 0.00031; gnomAD 0.00032 and 0.00034; gnomAD exomes 0.00033 and 0.00066; TOPMed 0.00038; ExAC 0.00059.
gnomAD v4.1: 571 of 1,613,894 alleles (0.035%); highest among the groups gnomAD compares: Middle Eastern, 0.033%; 1 homozygote.

Submissions (7):

Labcorp Genetics (formerly Invitae), Labcorp
Classification: Benign for Supravalvar aortic stenosis. Last evaluated: 2026-01-22. Review status: criteria provided, single submitter. Criteria: Invitae Variant Classification Sherloc (09022015). Collection method: clinical testing. Allele origin: germline.

Blueprint Genetics
Classification: Likely benign. Last evaluated: 2024-07-19. Review status: criteria provided, single submitter. Criteria: ACMG Guidelines, 2015. Collection method: clinical testing. Allele origin: germline.

GeneDx
Classification: Likely benign. Last evaluated: 2021-10-25. Review status: criteria provided, single submitter. Criteria: GeneDx Variant Classification Process June 2021. Collection method: clinical testing. Allele origin: germline. Affected: yes.

Illumina Laboratory Services, Illumina
Classification: Likely benign for Supravalvar aortic stenosis. Last evaluated: 2018-01-13. Review status: criteria provided, single submitter. Criteria: ICSL Variant Classification Criteria 13 December 2019. Collection method: clinical testing. Allele origin: germline.
Comment: This variant was observed in the ICSL laboratory as part of a predisposition screen in an ostensibly healthy population. It had not been previously curated by ICSL or reported in the Human Gene Mutation Database (HGMD: prior to June 1st, 2018), and was therefore a candidate for classification through an automated scoring system. Utilizing variant allele frequency, disease prevalence and penetrance estimates, and inheritance mode, an automated score was calculated to assess if this variant is too frequent to cause the disease. Based on the score and internal cut-off values, a variant classified as likely benign is not then subjected to further curation. The score for this variant resulted in a classification of likely benign for this disease.

Illumina Laboratory Services, Illumina
Classification: Benign for Cutis laxa, autosomal dominant 1. Last evaluated: 2018-01-13. Review status: criteria provided, single submitter. Criteria: ICSL Variant Classification Criteria 13 December 2019. Collection method: clinical testing. Allele origin: germline.
Comment: This variant was observed in the ICSL laboratory as part of a predisposition screen in an ostensibly healthy population. It had not been previously curated by ICSL or reported in the Human Gene Mutation Database (HGMD: prior to June 1st, 2018), and was therefore a candidate for classification through an automated scoring system. Utilizing variant allele frequency, disease prevalence and penetrance estimates, and inheritance mode, an automated score was calculated to assess if this variant is too frequent to cause the disease. Based on the score and internal cut-off values, a variant classified as benign is not then subjected to further curation. The score for this variant resulted in a classification of benign for this disease.

Breakthrough Genomics
Classification: Likely benign. Review status: criteria provided, single submitter. Criteria: ACMG Guidelines, 2015. Collection method: not provided. Allele origin: germline. Inheritance: Autosomal dominant inheritance. Affected: yes.

PreventionGenetics, part of Exact Sciences
Classification: Likely benign for ELN-related condition. Last evaluated: 2024-02-13. Review status: no assertion criteria provided. Collection method: clinical testing. Allele origin: germline. Not counted in ClinVar's aggregate classification.
Comment: This variant is classified as likely benign based on ACMG/AMP sequence variant interpretation guidelines (Richards et al. 2015 PMID: 25741868, with internal and published modifications).